The following is an entry in ClinVar:

NM_015338.6(ASXL1):c.758A>G (p.Glu253Gly)

Gene: ASXL1 (ASXL transcriptional regulator 1; plus strand). Cytogenetic location: 20q11.21.
Variant type: single nucleotide variant.
Coding change: c.758A>G on transcript NM_015338.6 (MANE Select); coding-DNA position 758, A replaced by G.
Protein change: p.Glu253Gly; replaces glutamic acid 253 with glycine.
Molecular consequence: missense variant.
Genome position (GRCh38, 1-based): chr20:32,431,360, A>G. VCF-style: chr20-32431360-A-G. GRCh37 (hg19) VCF-style: chr20-31019163-A-G.
Other names: c.575A>G, p.Glu192Gly (NM_001363734.1); short protein forms E192G, E253G.
Identifiers: ClinVar variation 2127228 (VCV002127228.4), dbSNP rs2123234085, ClinGen allele CA408553522.

ClinVar aggregate classification (germline): Uncertain significance (1 of 4 stars; one submission).

Submission:

Labcorp Genetics (formerly Invitae), Labcorp
Classification: Uncertain significance. Last evaluated: 2022-04-17. Review status: criteria provided, single submitter. Criteria: Invitae Variant Classification Sherloc (09022015). Collection method: clinical testing. Allele origin: germline.
Comment: In summary, the available evidence is currently insufficient to determine the role of this variant in disease. Therefore, it has been classified as a Variant of Uncertain Significance. This sequence change replaces glutamic acid, which is acidic and polar, with glycine, which is neutral and non-polar, at codon 253 of the ASXL1 protein (p.Glu253Gly). This variant is not present in population databases (gnomAD no frequency). This variant has not been reported in the literature in individuals affected with ASXL1-related conditions. Algorithms developed to predict the effect of missense changes on protein structure and function (SIFT, PolyPhen-2, Align-GVGD) all suggest that this variant is likely to be disruptive.